The following is an entry in ClinVar:

NM_001017995.3(SH3PXD2B):c.255C>T (p.Ser85=)

Gene: SH3PXD2B (SH3 and PX domains 2B; minus strand). Cytogenetic location: 5q35.1.
Variant type: single nucleotide variant.
Coding change: c.255C>T on transcript NM_001017995.3 (MANE Select); coding-DNA position 255, C replaced by T.
Protein change: p.Ser85=; no amino-acid change (serine 85 retained).
Molecular consequence: synonymous variant.
Genome position (GRCh38, 1-based): chr5:172,394,617, G>A on the plus strand (C>T on the coding strand, the complement: SH3PXD2B is on the minus strand). VCF-style: chr5-172394617-G-A. GRCh37 (hg19) VCF-style: chr5-171821621-G-A.
Other names: c.255C>T, p.Ser85= (NM_001308175.2).
Identifiers: ClinVar variation 3772139 (VCV003772139.13).

ClinVar aggregate classification (germline): Likely benign (1 of 4 stars; one submission).

Submission:

CeGaT Center for Human Genetics Tuebingen
Classification: Likely benign. Last evaluated: 2024-12-01. Review status: criteria provided, single submitter. Criteria: CeGaT Center For Human Genetics Tuebingen Variant Classification Criteria Version 2. Collection method: clinical testing. Allele origin: germline. Affected: yes. Observed: 1 variant allele.
Comment: SH3PXD2B: PM2:Supporting, BP4, BP7